The following is an entry in ClinVar:

ClinVar aggregate classification (germline): Uncertain significance (1 of 4 stars; one submission).

Submission:

GeneDx
Classification: Uncertain significance. Last evaluated: 2020-02-20. Review status: criteria provided, single submitter. Criteria: GeneDx Variant Classification Process June 2021. Collection method: clinical testing. Allele origin: germline. Affected: yes.
Comment: Not observed in large population cohorts (Lek et al., 2016); Missense variants in this gene are often considered pathogenic (Stenson et al., 2014); In silico analysis supports that this missense variant has a deleterious effect on protein structure/function; This substitution is predicted to be within the C-terminal cytoplasmic domain; Has not been previously published as pathogenic or benign to our knowledge

NM_001165963.4(SCN1A):c.5693C>T (p.Pro1898Leu)

Genes: SCN1A (sodium voltage-gated channel alpha subunit 1; minus strand), LOC102724058 (uncharacterized LOC102724058; plus strand). Cytogenetic location: 2q24.3.
Variant type: single nucleotide variant.
Coding change: c.5693C>T on transcript NM_001165963.4 (MANE Select); coding-DNA position 5693, C replaced by T.
Protein change: p.Pro1898Leu; replaces proline 1898 with leucine.
Molecular consequence: missense variant. On other transcripts: non-coding transcript variant (1).
Genome position (GRCh38, 1-based): chr2:165,991,582, G>A on the plus strand (C>T on the coding strand, the complement: SCN1A is on the minus strand). VCF-style: chr2-165991582-G-A. GRCh37 (hg19) VCF-style: chr2-166848092-G-A.
Other names: c.5609C>T, p.Pro1870Leu (NM_001165964.3, NM_001353957.2, NM_001353958.2); c.5693C>T, p.Pro1898Leu (NM_001202435.3, NM_001353948.2); c.5660C>T, p.Pro1887Leu (NM_001353949.2, NM_001353950.2, NM_001353951.2 and 2 more transcripts); c.5657C>T, p.Pro1886Leu (NM_001353954.2, NM_001353955.2); c.5606C>T, p.Pro1869Leu (NM_001353960.2); c.3251C>T, p.Pro1084Leu (NM_001353961.2); short protein forms P1084L, P1869L, P1870L, P1886L, P1887L, P1898L.
Identifiers: ClinVar variation 1315375 (VCV001315375.2), dbSNP rs2105424381, ClinGen allele CA349064680.